The following is an entry in ClinVar:

ClinVar aggregate classification (germline): Uncertain significance. Review status: criteria provided, multiple submitters, no conflicts (2 of 4 stars). 3 submissions from 3 submitters: Uncertain significance (3). Last evaluated 2024-10-10.

Conditions:
Hereditary cancer-predisposing syndrome. Also called: Neoplastic Syndromes, Hereditary; Tumor predisposition; Hereditary Cancer Syndrome; Hereditary neoplastic syndrome. Identifiers: Orphanet 140162, MedGen C0027672, MeSH D009386, MONDO:0015356.
Familial adenomatous polyposis 1 (FAP1). Also called: FAMILIAL ADENOMATOUS POLYPOSIS 1, ATTENUATED; POLYPOSIS, ADENOMATOUS INTESTINAL. Identifiers: MedGen C2713442, MONDO:0021056, OMIM 175100. Disease mechanism: loss of function.

Submissions (3):

Women's Health and Genetics/Laboratory Corporation of America, LabCorp
Classification: Uncertain significance. Last evaluated: 2024-10-10. Review status: criteria provided, single submitter. Criteria: LabCorp Variant Classification Summary - May 2015. Collection method: clinical testing. Allele origin: germline.
Comment: Variant summary: APC c.2074C>G (p.Pro692Ala) results in a non-conservative amino acid change in the encoded protein sequence. Three of five in-silico tools predict a benign effect of the variant on protein function. The variant was absent in 250798 control chromosomes. The available data on variant occurrences in the general population are insufficient to allow any conclusion about variant significance. To our knowledge, no occurrence of c.2074C>G in individuals affected with Familial Adenomatous Polyposis and no experimental evidence demonstrating its impact on protein function have been reported. ClinVar contains an entry for this variant (Variation ID: 1785439). Based on the evidence outlined above, the variant was classified as uncertain significance.

Labcorp Genetics (formerly Invitae), Labcorp
Classification: Uncertain significance for Familial adenomatous polyposis 1. Last evaluated: 2023-05-11. Review status: criteria provided, single submitter. Criteria: Invitae Variant Classification Sherloc (09022015). Collection method: clinical testing. Allele origin: germline.
Comment: This sequence change replaces proline, which is neutral and non-polar, with alanine, which is neutral and non-polar, at codon 692 of the APC protein (p.Pro692Ala). This variant is not present in population databases (gnomAD no frequency). This variant has not been reported in the literature in individuals affected with APC-related conditions. ClinVar contains an entry for this variant (Variation ID: 1785439). Advanced modeling of protein sequence and biophysical properties (such as structural, functional, and spatial information, amino acid conservation, physicochemical variation, residue mobility, and thermodynamic stability) performed at Invitae indicates that this missense variant is not expected to disrupt APC protein function. In summary, the available evidence is currently insufficient to determine the role of this variant in disease. Therefore, it has been classified as a Variant of Uncertain Significance.

Ambry Genetics
Classification: Uncertain significance for Hereditary cancer-predisposing syndrome. Last evaluated: 2022-08-24. Review status: criteria provided, single submitter. Criteria: Ambry Variant Classification Scheme 2023. Collection method: clinical testing. Allele origin: germline.
Comment: The p.P692A variant (also known as c.2074C>G), located in coding exon 15 of the APC gene, results from a C to G substitution at nucleotide position 2074. The proline at codon 692 is replaced by alanine, an amino acid with highly similar properties. This amino acid position is conserved. In addition, in silico predictors for this gene do not accurately predict pathogenicity. Since supporting evidence is limited at this time, the clinical significance of this alteration remains unclear.

NM_000038.6(APC):c.2074C>G (p.Pro692Ala)

Gene: APC (APC regulator of Wnt signaling pathway; plus strand). Cytogenetic location: 5q22.2.
Variant type: single nucleotide variant.
Coding change: c.2074C>G on transcript NM_000038.6 (MANE Select); coding-DNA position 2074, C replaced by G.
Protein change: p.Pro692Ala; replaces proline 692 with alanine.
Molecular consequence: missense variant.
Genome position (GRCh38, 1-based): chr5:112,837,668, C>G. VCF-style: chr5-112837668-C-G. GRCh37 (hg19) VCF-style: chr5-112173365-C-G.
Other names: c.2074C>G, p.Pro692Ala (NM_001127510.3, NM_001354895.2, NM_001407450.1); c.2020C>G, p.Pro674Ala (NM_001127511.3); c.2128C>G, p.Pro710Ala (NM_001354896.2, NM_001407447.1, NM_001407448.1 and 1 more transcripts); c.2104C>G, p.Pro702Ala (NM_001354897.2); c.1999C>G, p.Pro667Ala (NM_001354898.2); c.1990C>G, p.Pro664Ala (NM_001354899.2); c.1951C>G, p.Pro651Ala (NM_001354900.2); c.1897C>G, p.Pro633Ala (NM_001354901.2, NM_001407453.1); and 11 more; short protein forms P566A, P601A, P633A, P651A, P692A, P702A, P532A, P591A.
Identifiers: ClinVar variation 1785439 (VCV001785439.7), dbSNP rs1561574669, ClinGen allele CA16025857.